The following is an entry in ClinVar:

ClinVar aggregate classification (germline): Likely pathogenic (1 of 4 stars; one submission).

Submission:

Dasa
Classification: Likely pathogenic. Last evaluated: 2026-01-12. Review status: criteria provided, single submitter. Criteria: DASA Assertion Criteria. Collection method: clinical testing. Allele origin: germline.
Comment: NM_018249.6(CDK5RAP2):c.1246del (p.Glu416Argfs*35) is a frameshift variant in CDK5RAP2 predicted to alter the reading frame and introduce a premature termination codon and is predicted to result in an absent or altered protein product. Loss of function is an established disease mechanism for CDK5RAP2-associated disorders. Also, this variant is rare in population databases. Based on the currently available evidence, this variant is classified as likely pathogenic.

NM_018249.6(CDK5RAP2):c.1246del (p.Glu416fs)

Gene: CDK5RAP2 (CDK5 regulatory subunit associated protein 2; minus strand). Cytogenetic location: 9q33.2.
Variant type: Deletion.
Coding change: c.1246del on transcript NM_018249.6 (MANE Select); coding-DNA position 1246, one base deleted (G; older notation c.1246delG).
Protein change: p.Glu416fs; shifts the reading frame from glutamic acid 416.
Molecular consequence: frameshift variant. On other transcripts: non-coding transcript variant (5).
Genome position (GRCh38, 1-based): chr9:120,518,492, C deleted on the plus strand (G on the coding strand, the reverse complement: CDK5RAP2 is on the minus strand); the first of 3 consecutive C bases (chr9:120,518,492-120,518,494); deleting any one gives the same sequence. VCF-style (leftmost placement, unchanged base first): chr9-120518491-TC-T. GRCh37 (hg19) VCF-style: chr9-123280769-TC-T.
Other names: c.1246del, p.Glu416fs (NM_001011649.3, NM_001272039.2, NM_001410992.1 and 2 more transcripts); short protein forms E416fs.
Identifiers: ClinVar variation 4884283 (VCV004884283.2).